The following is an entry in ClinVar:

ClinVar aggregate classification (germline): Pathogenic/Likely pathogenic. Review status: criteria provided, multiple submitters, no conflicts (2 of 4 stars). 3 submissions from 3 submitters: Pathogenic (1); Likely pathogenic (1). 1 of the submissions does not count toward it. Last evaluated 2025-04-18.

Conditions:
Beckwith-Wiedemann syndrome (BWS). Also called: EMG SYNDROME; Exomphalos macroglossia gigantism syndrome. Identifiers: Orphanet 116, MedGen C0004903, MONDO:0007534, OMIM 130650.

Submissions (3):

Labcorp Genetics (formerly Invitae), Labcorp
Classification: Pathogenic for Beckwith-Wiedemann syndrome. Last evaluated: 2025-04-18. Review status: criteria provided, single submitter. Criteria: Invitae Variant Classification Sherloc (09022015). Collection method: clinical testing. Allele origin: germline.
Comment: This sequence change creates a premature translational stop signal (p.Ser282*) in the CDKN1C gene. It is expected to result in an absent or disrupted protein product. Loss-of-function variants in CDKN1C are known to be pathogenic (PMID: 20503313). This variant is not present in population databases (gnomAD no frequency). This premature translational stop signal has been observed in individuals with Beckwith-Wiedemann syndrome (PMID: 10424811, 19386358, 20503313). ClinVar contains an entry for this variant (Variation ID: 18445). For these reasons, this variant has been classified as Pathogenic.

GeneDx
Classification: Likely pathogenic. Last evaluated: 2023-03-15. Review status: criteria provided, single submitter. Criteria: GeneDx Variant Classification Process June 2021. Collection method: clinical testing. Allele origin: germline. Affected: yes.
Comment: Nonsense variant predicted to result in protein truncation, as the last 35 amino acids are lost, and other loss-of-function variants have been reported downstream in HGMD; Not observed at significant frequency in large population cohorts (gnomAD); This variant is associated with the following publications: (PMID: 26077438, 20503313, 35954470, 10424811)

OMIM
Classification: Pathogenic for BECKWITH-WIEDEMANN SYNDROME. Last evaluated: 2010-06-01. Review status: no assertion criteria provided. Collection method: literature only. Allele origin: germline. Not counted in ClinVar's aggregate classification.

Literature cited by the submitters: PubMed 20503313 (cited by Labcorp Genetics (formerly Invitae), Labcorp and OMIM); PubMed 10424811 (cited by Labcorp Genetics (formerly Invitae), Labcorp); PubMed 19386358 (cited by Labcorp Genetics (formerly Invitae), Labcorp).

NM_001122630.2(CDKN1C):c.812C>G (p.Ser271Ter)

Gene: CDKN1C (cyclin dependent kinase inhibitor 1C; minus strand). Cytogenetic location: 11p15.4.
Variant type: single nucleotide variant.
Coding change: c.812C>G on transcript NM_001122630.2 (MANE Select); coding-DNA position 812, C replaced by G.
Protein change: p.Ser271Ter; replaces serine 271 with a stop codon.
Molecular consequence: nonsense. On other transcripts: missense variant (1).
Genome position (GRCh38, 1-based): chr11:2,884,110, G>C on the plus strand (C>G on the coding strand, the complement: CDKN1C is on the minus strand). VCF-style: chr11-2884110-G-C. GRCh37 (hg19) VCF-style: chr11-2905340-G-C.
Other names: CDKN1C, SER282TER, 845C-G; c.845C>G, p.Ser282Ter (NM_000076.2, NM_001362474.2); c.812C>G, p.Ser271Ter (NM_001122631.2); c.280C>G, p.Gln94Glu (NM_001362475.2); short protein forms S282*, S271*, Q94E.
Identifiers: ClinVar variation 18445 (VCV000018445.7), dbSNP rs267606716, ClinGen allele CA254543.